The following is an entry in ClinVar:

ClinVar aggregate classification (germline): Likely pathogenic. Review status: criteria provided, multiple submitters, no conflicts (2 of 4 stars). 2 submissions from 2 submitters: Likely pathogenic (2). Last evaluated 2025-07-16.

Conditions:
Microcephaly and chorioretinopathy 1. Also called: Microcephaly and chorioretinopathy, autosomal recessive, 1. Identifiers: MedGen C3278481, MONDO:0009624, OMIM 251270.

Submissions (2):

First Genomix Gene Laboratory, Genetic Diagnostics Department
Classification: Likely pathogenic for Microcephaly and chorioretinopathy 1. Last evaluated: 2025-07-16. Review status: criteria provided, single submitter. Criteria: ACMG Guidelines, 2015. Collection method: clinical testing. Allele origin: germline. Inheritance: Autosomal recessive inheritance. Affected: no. Observed: 1 variant allele.

Women's Health and Genetics/Laboratory Corporation of America, LabCorp
Classification: Likely pathogenic for Microcephaly and chorioretinopathy 1. Last evaluated: 2024-06-20. Review status: criteria provided, single submitter. Criteria: LabCorp Variant Classification Summary - May 2015. Collection method: clinical testing. Allele origin: germline.
Comment: Variant summary: TUBGCP6 c.905+1G>C is located in a canonical splice-site and is predicted to affect mRNA splicing resulting in a significantly altered protein due to either exon skipping, shortening, or inclusion of intronic material. Several computational tools predict a significant impact on normal splicing: Three predict the variant abolishes a 5' splicing donor site. However, these predictions have yet to be confirmed by functional studies. The variant was absent in 1613450 control chromosomes. To our knowledge, no occurrence of c.905+1G>C in individuals affected with Microcephaly And Chorioretinopathy 1 and no experimental evidence demonstrating its impact on protein function have been reported. No submitters have cited clinical-significance assessments for this variant to ClinVar. Based on the evidence outlined above, the variant was classified as likely pathogenic.

NM_020461.4(TUBGCP6):c.905+1G>C

Gene: TUBGCP6 (tubulin gamma complex component 6; minus strand). Cytogenetic location: 22q13.33.
Variant type: single nucleotide variant.
Coding change: c.905+1G>C on transcript NM_020461.4 (MANE Select); the canonical splice donor site of the intron after coding-DNA position 905, G replaced by C.
Molecular consequence: splice donor variant.
Genome position (GRCh38, 1-based): chr22:50,240,203, C>G on the plus strand (G>C on the coding strand, the complement: TUBGCP6 is on the minus strand). VCF-style: chr22-50240203-C-G. GRCh37 (hg19) VCF-style: chr22-50678632-C-G.
Identifiers: ClinVar variation 3339917 (VCV003339917.2).